The following is an entry in ClinVar:

NM_020923.3(ZDBF2):c.3437T>G (p.Met1146Arg)

Gene: ZDBF2 (zinc finger DBF-type containing 2; plus strand). Cytogenetic location: 2q33.3.
Variant type: single nucleotide variant.
Coding change: c.3437T>G on transcript NM_020923.3 (MANE Select); coding-DNA position 3437, T replaced by G.
Protein change: p.Met1146Arg; replaces methionine 1146 with arginine.
Molecular consequence: missense variant.
Genome position (GRCh38, 1-based): chr2:206,307,965, T>G. VCF-style: chr2-206307965-T-G. GRCh37 (hg19) VCF-style: chr2-207172689-T-G.
Other names: c.3431T>G, p.Met1144Arg (NM_001285549.2); c.3437T>G, p.Met1146Arg (NM_001369654.1); short protein forms M1144R, M1146R.
Identifiers: ClinVar variation 3716001 (VCV003716001.2).

ClinVar aggregate classification (germline): Uncertain significance (1 of 4 stars; one submission).

Submission:

Labcorp Genetics (formerly Invitae), Labcorp
Classification: Uncertain significance. Last evaluated: 2025-02-06. Review status: criteria provided, single submitter. Criteria: Invitae Variant Classification Sherloc (09022015). Collection method: clinical testing. Allele origin: germline.
Comment: This sequence change replaces methionine, which is neutral and non-polar, with arginine, which is basic and polar, at codon 1146 of the ZDBF2 protein (p.Met1146Arg). This variant is present in population databases (rs773432017, gnomAD 0.007%). This variant has not been reported in the literature in individuals affected with ZDBF2-related conditions. An algorithm developed to predict the effect of missense changes on protein structure and function (PolyPhen-2) suggests that this variant is likely to be tolerated. In summary, the available evidence is currently insufficient to determine the role of this variant in disease. Therefore, it has been classified as a Variant of Uncertain Significance.